The following is an entry in ClinVar:

NM_001204.7(BMPR2):c.14T>C (p.Leu5Pro)

Gene: BMPR2 (bone morphogenetic protein receptor type 2; plus strand). Cytogenetic location: 2q33.1.
Variant type: single nucleotide variant.
Coding change: c.14T>C on transcript NM_001204.7 (MANE Select); coding-DNA position 14, T replaced by C.
Protein change: p.Leu5Pro; replaces leucine 5 with proline.
Molecular consequence: missense variant.
Genome position (GRCh38, 1-based): chr2:202,377,488, T>C. VCF-style: chr2-202377488-T-C. GRCh37 (hg19) VCF-style: chr2-203242211-T-C.
Other names: short protein forms L5P.
Identifiers: ClinVar variation 1773990 (VCV001773990.2), dbSNP rs1690174755, ClinGen allele CA350396558.
Genomic context (GRCh38, chr2:202,377,488, plus strand): 5'-TCCCATATTTCTTTTCTTTGCCCTCCTGATTCTTGGCTGGCCCAGGGATGACTTCCTCGC[T>C]GCAGCGGCCCTGGCGGGTGCCCTGGCTACCATGGACCATCCTGCTGGTCAGCACTGCGGC-3'
Protein context (NP_001195.2, residues 1-15): MTSS[Leu5Pro]QRPWRVPWLP

ClinVar aggregate classification (germline): Uncertain significance (1 of 4 stars; one submission).

Conditions:
Inborn genetic diseases. Identifiers: MedGen C0950123, MeSH D030342.

Submission:

Ambry Genetics
Classification: Uncertain significance for Inborn genetic diseases. Last evaluated: 2022-02-02. Review status: criteria provided, single submitter. Criteria: Ambry Variant Classification Scheme 2023. Collection method: clinical testing. Allele origin: germline.
Comment: The p.L5P variant (also known as c.14T>C), located in coding exon 1 of the BMPR2 gene, results from a T to C substitution at nucleotide position 14. The leucine at codon 5 is replaced by proline, an amino acid with similar properties. This amino acid position is conserved. In addition, the in silico prediction for this alteration is inconclusive. Since supporting evidence is limited at this time, the clinical significance of this alteration remains unclear.